The following is an entry in ClinVar:

ClinVar aggregate classification (germline): Conflicting classifications of pathogenicity. Review status: criteria provided, conflicting classifications (1 of 4 stars). 8 submissions from 8 submitters: Uncertain significance (3); Likely benign (5). Last evaluated 2026-07-10.

Conditions:
ALPK3-related disorder. Also called: ALPK3-related condition.
Cardiovascular phenotype. Identifiers: MedGen CN230736.

Allele frequency attached by ClinVar (database versions not stated): gnomAD exomes 0.00009; ExAC 0.00013; gnomAD 0.00022 and 0.00024; TOPMed 0.00039; ESP Exome Variant Server 0.00046.
gnomAD v4.1: 105 of 1,613,968 alleles (0.0065%); highest among the groups gnomAD compares: African/African-American, 0.093%; no homozygotes.

Submissions (8):

PreventionGenetics, part of Exact Sciences
Classification: Uncertain significance for ALPK3-related condition. Last evaluated: 2026-07-10. Review status: criteria provided, single submitter. Criteria: ACMG Guidelines, 2015. Collection method: clinical testing. Allele origin: germline.
Comment: The ALPK3 c.3134G>A variant is predicted to result in the amino acid substitution p.Arg1045Gln. To our knowledge, this variant has not been reported in the literature. This variant is reported in 0.080% of alleles in individuals of African descent in gnomAD. Although we suspect that this variant may be benign, at this time, the clinical significance of this variant is uncertain due to the absence of conclusive functional and genetic evidence.

Women's Health and Genetics/Laboratory Corporation of America, LabCorp
Classification: Uncertain significance. Last evaluated: 2026-01-19. Review status: criteria provided, single submitter. Criteria: LabCorp Variant Classification Summary - May 2015. Collection method: clinical testing. Allele origin: germline.

Labcorp Genetics (formerly Invitae), Labcorp
Classification: Uncertain significance. Last evaluated: 2026-01-12. Review status: criteria provided, single submitter. Criteria: Invitae Variant Classification Sherloc (09022015). Collection method: clinical testing. Allele origin: germline.
Comment: This sequence change replaces arginine, which is basic and polar, with glutamine, which is neutral and polar, at codon 1045 of the ALPK3 protein (p.Arg1045Gln). This variant is present in population databases (rs114988007, gnomAD 0.08%). This variant has not been reported in the literature in individuals affected with ALPK3-related conditions. ClinVar contains an entry for this variant (Variation ID: 391140). Invitae Evidence Modeling of protein sequence and biophysical properties (such as structural, functional, and spatial information, amino acid conservation, physicochemical variation, residue mobility, and thermodynamic stability) indicates that this missense variant is not expected to disrupt ALPK3 protein function with a negative predictive value of 80%. In summary, the available evidence is currently insufficient to determine the role of this variant in disease. Therefore, it has been classified as a Variant of Uncertain Significance.

Mayo Clinic Laboratories, Mayo Clinic
Classification: Likely benign. Last evaluated: 2025-10-10. Review status: criteria provided, single submitter. Criteria: ACMG Guidelines, 2015. Collection method: clinical testing. Allele origin: germline. Observed: 3 variant alleles.
Comment: BP4_moderate, BP5

Molecular Diagnostic Laboratory for Inherited Cardiovascular Disease, Montreal Heart Institute
Classification: Likely benign. Last evaluated: 2025-04-09. Review status: criteria provided, single submitter. Criteria: ACMG Guidelines, 2015. Collection method: clinical testing. Allele origin: germline. Affected: no.
Comment: BS1, BP1, BP4

Blueprint Genetics
Classification: Likely benign. Last evaluated: 2024-11-06. Review status: criteria provided, single submitter. Criteria: ACMG Guidelines, 2015. Collection method: clinical testing. Allele origin: germline.

Ambry Genetics
Classification: Likely benign for Cardiovascular phenotype. Last evaluated: 2019-09-06. Review status: criteria provided, single submitter. Criteria: Ambry Variant Classification Scheme 2023. Collection method: clinical testing. Allele origin: germline.

GeneDx
Classification: Likely benign. Last evaluated: 2016-11-28. Review status: criteria provided, single submitter. Criteria: GeneDx Variant Classification (06012015). Collection method: clinical testing. Allele origin: germline. Affected: yes.
Comment: This variant is considered likely benign or benign based on one or more of the following criteria: it is a conservative change, it occurs at a poorly conserved position in the protein, it is predicted to be benign by multiple in silico algorithms, and/or has population frequency not consistent with disease.

NM_020778.5(ALPK3):c.2528G>A (p.Arg843Gln)

Gene: ALPK3 (alpha kinase 3; plus strand). Cytogenetic location: 15q25.3.
Variant type: single nucleotide variant.
Coding change: c.2528G>A on transcript NM_020778.5 (MANE Select); coding-DNA position 2528, G replaced by A.
Protein change: p.Arg843Gln; replaces arginine 843 with glutamine.
Molecular consequence: missense variant.
Genome position (GRCh38, 1-based): chr15:84,857,266, G>A. VCF-style: chr15-84857266-G-A. GRCh37 (hg19) VCF-style: chr15-85400497-G-A.
Other names: p.Arg1045Gln; short protein forms R1045Q, R843Q.
Identifiers: ClinVar variation 391140 (VCV000391140.13), dbSNP rs114988007, ClinGen allele CA7709438.